The following is an entry in ClinVar:

ClinVar aggregate classification (germline): Uncertain significance (1 of 4 stars; one submission).

gnomAD v4.1: 7 of 1,614,028 alleles (0.00043%); highest among the groups gnomAD compares: African/African-American, 0.0027%; no homozygotes.

Submission:

Labcorp Genetics (formerly Invitae), Labcorp
Classification: Uncertain significance. Last evaluated: 2025-07-09. Review status: criteria provided, single submitter. Criteria: Invitae Variant Classification Sherloc (09022015). Collection method: clinical testing. Allele origin: germline.
Comment: This sequence change replaces arginine, which is basic and polar, with lysine, which is basic and polar, at codon 1694 of the POLR1A protein (p.Arg1694Lys). This variant is present in population databases (rs779817629, gnomAD 0.0009%). This variant has not been reported in the literature in individuals affected with POLR1A-related conditions. Invitae Evidence Modeling of protein sequence and biophysical properties (such as structural, functional, and spatial information, amino acid conservation, physicochemical variation, residue mobility, and thermodynamic stability) indicates that this missense variant is not expected to disrupt POLR1A protein function with a negative predictive value of 80%. In summary, the available evidence is currently insufficient to determine the role of this variant in disease. Therefore, it has been classified as a Variant of Uncertain Significance.

NM_015425.6(POLR1A):c.5081G>A (p.Arg1694Lys)

Gene: POLR1A (RNA polymerase I subunit A; minus strand). Cytogenetic location: 2p11.2.
Variant type: single nucleotide variant.
Coding change: c.5081G>A on transcript NM_015425.6 (MANE Select); coding-DNA position 5081, G replaced by A.
Protein change: p.Arg1694Lys; replaces arginine 1694 with lysine.
Molecular consequence: missense variant.
Genome position (GRCh38, 1-based): chr2:86,027,505, C>T on the plus strand (G>A on the coding strand, the complement: POLR1A is on the minus strand). VCF-style: chr2-86027505-C-T. GRCh37 (hg19) VCF-style: chr2-86254628-C-T.
Other names: short protein forms R1694K.
Identifiers: ClinVar variation 4764388 (VCV004764388.1).
Genomic context (GRCh38, chr2:86,027,505, plus strand): 5'-TCGAACAGGCCTGTCCCGCCCCTGACGACCTTCCCGACCACAAGGCAGGCAGAAGGAGAC[C>T]TCAGCTCATCGTGGGATCCTGACAGAGACACAAAAACATGTGTCAGGGTGTTGAGGTAGA-3'
Protein context (NP_056240.2, residues 1684-1704): ATMLGSHDEL[Arg1694Lys]SPSACLVVGK